The following is an entry in ClinVar:

ClinVar aggregate classification (germline): Uncertain significance (1 of 4 stars; one submission).

Conditions:
Jeune thoracic dystrophy. Also called: Jeune syndrome; Infantile thoracic dystrophy; Thoracic pelvic phalangeal dystrophy; Jeune's syndrome; Chondroectodermal dysplasia-like syndrome; Short-rib thoracic dysplasia. Identifiers: Orphanet 474, MedGen C0265275, MONDO:0018770.

Allele frequency attached by ClinVar (database versions not stated): gnomAD exomes below 0.00001.
gnomAD v4.1: 1 of 1,611,860 alleles (0.000062%); highest among the groups gnomAD compares: Admixed American, 0.0017%; no homozygotes.

Submission:

Labcorp Genetics (formerly Invitae), Labcorp
Classification: Uncertain significance for Jeune thoracic dystrophy. Last evaluated: 2022-10-17. Review status: criteria provided, single submitter. Criteria: Invitae Variant Classification Sherloc (09022015). Collection method: clinical testing. Allele origin: germline.
Comment: In summary, the available evidence is currently insufficient to determine the role of this variant in disease. Therefore, it has been classified as a Variant of Uncertain Significance. Advanced modeling of protein sequence and biophysical properties (such as structural, functional, and spatial information, amino acid conservation, physicochemical variation, residue mobility, and thermodynamic stability) has been performed at Invitae for this missense variant, however the output from this modeling did not meet the statistical confidence thresholds required to predict the impact of this variant on DYNC2H1 protein function. This variant has not been reported in the literature in individuals affected with DYNC2H1-related conditions. This variant is present in population databases (no rsID available, gnomAD 0.003%). This sequence change replaces alanine, which is neutral and non-polar, with valine, which is neutral and non-polar, at codon 3217 of the DYNC2H1 protein (p.Ala3217Val).

NM_001377.3(DYNC2H1):c.9650C>T (p.Ala3217Val)

Gene: DYNC2H1 (dynein cytoplasmic 2 heavy chain 1; plus strand). Cytogenetic location: 11q22.3.
Variant type: single nucleotide variant.
Coding change: c.9650C>T on transcript NM_001377.3 (MANE Select); coding-DNA position 9650, C replaced by T.
Protein change: p.Ala3217Val; replaces alanine 3217 with valine.
Molecular consequence: missense variant.
Genome position (GRCh38, 1-based): chr11:103,235,754, C>T. VCF-style: chr11-103235754-C-T. GRCh37 (hg19) VCF-style: chr11-103106483-C-T.
Other names: c.9650C>T, p.Ala3217Val (NM_001080463.2); short protein forms A3217V.
Identifiers: ClinVar variation 2157469 (VCV002157469.4), dbSNP rs1180282284, ClinGen allele CA382241972.